The following is an entry in ClinVar:

NM_021076.4(NEFH):c.1060C>A (p.Gln354Lys)

Gene: NEFH (neurofilament heavy chain; plus strand). Cytogenetic location: 22q12.2.
Variant type: single nucleotide variant.
Coding change: c.1060C>A on transcript NM_021076.4 (MANE Select); coding-DNA position 1060, C replaced by A.
Protein change: p.Gln354Lys; replaces glutamine 354 with lysine.
Molecular consequence: missense variant.
Genome position (GRCh38, 1-based): chr22:29,483,551, C>A. VCF-style: chr22-29483551-C-A. GRCh37 (hg19) VCF-style: chr22-29879540-C-A.
Other names: short protein forms Q354K.
Identifiers: ClinVar variation 3630605 (VCV003630605.2).

ClinVar aggregate classification (germline): Uncertain significance (1 of 4 stars; one submission).

gnomAD v4.1: 1 of 1,613,820 alleles (0.000062%); highest among the groups gnomAD compares: Admixed American, 0.0017%; no homozygotes.

Submission:

Labcorp Genetics (formerly Invitae), Labcorp
Classification: Uncertain significance. Last evaluated: 2024-08-11. Review status: criteria provided, single submitter. Criteria: Invitae Variant Classification Sherloc (09022015). Collection method: clinical testing. Allele origin: germline.
Comment: This sequence change replaces glutamine, which is neutral and polar, with lysine, which is basic and polar, at codon 354 of the NEFH protein (p.Gln354Lys). This variant is present in population databases (no rsID available, gnomAD 0.003%). This variant has not been reported in the literature in individuals affected with NEFH-related conditions. Advanced modeling of protein sequence and biophysical properties (such as structural, functional, and spatial information, amino acid conservation, physicochemical variation, residue mobility, and thermodynamic stability) performed at Invitae indicates that this missense variant is not expected to disrupt NEFH protein function with a negative predictive value of 95%. In summary, the available evidence is currently insufficient to determine the role of this variant in disease. Therefore, it has been classified as a Variant of Uncertain Significance.